The following is an entry in ClinVar:

NM_000722.4(CACNA2D1):c.2727+8del

Gene: CACNA2D1 (calcium voltage-gated channel auxiliary subunit alpha2delta 1; minus strand). Cytogenetic location: 7q21.11.
Variant type: Deletion.
Coding change: c.2727+8del on transcript NM_000722.4 (MANE Select); 8 bases into the intron after coding-DNA position 2727, one base deleted (A; older notation c.2727+8delA).
Molecular consequence: intron variant.
Genome position (GRCh38, 1-based): chr7:81,964,199, T deleted on the plus strand (A on the coding strand, the reverse complement: CACNA2D1 is on the minus strand); the first of 2 consecutive T bases (chr7:81,964,199-81,964,200); deleting either gives the same sequence. VCF-style (leftmost placement, unchanged base first): chr7-81964198-AT-A. GRCh37 (hg19) VCF-style: chr7-81593514-AT-A.
Other names: c.2727+8del (NM_000722.3, LRG_437t1); c.2727+8delA (NM_000722.2); c.2763+8del (NM_001366867.1).
Identifiers: ClinVar variation 509847 (VCV000509847.13), dbSNP rs538712996, ClinGen allele CA4317543.

ClinVar aggregate classification (germline): Benign/Likely benign. Review status: criteria provided, multiple submitters, no conflicts (2 of 4 stars). 3 submissions from 3 submitters: Benign (1); Likely benign (1). 1 of the submissions does not count toward it. Last evaluated 2025-12-21.

Conditions:
CACNA2D1-related disorder. Also called: CACNA2D1-related condition.
Brugada syndrome. Also called: Sudden Unexplained Death Syndrome; Sudden Unexplained Nocturnal Death Syndrome (SUNDS); Sudden unexpected nocturnal death syndrome; Sudden unexplained nocturnal death syndrome. Identifiers: Orphanet 130, MedGen C1142166, MONDO:0015263.

Submissions (3):

Labcorp Genetics (formerly Invitae), Labcorp
Classification: Benign for Brugada syndrome. Last evaluated: 2025-12-21. Review status: criteria provided, single submitter. Criteria: Invitae Variant Classification Sherloc (09022015). Collection method: clinical testing. Allele origin: germline.

GeneDx
Classification: Likely benign. Last evaluated: 2018-03-12. Review status: criteria provided, single submitter. Criteria: GeneDx Variant Classification (06012015). Collection method: clinical testing. Allele origin: germline. Affected: yes.
Comment: This variant is considered likely benign or benign based on one or more of the following criteria: it is a conservative change, it occurs at a poorly conserved position in the protein, it is predicted to be benign by multiple in silico algorithms, and/or has population frequency not consistent with disease.

PreventionGenetics, part of Exact Sciences
Classification: Likely benign for CACNA2D1-related condition. Last evaluated: 2019-10-28. Review status: no assertion criteria provided. Collection method: clinical testing. Allele origin: germline. Not counted in ClinVar's aggregate classification.
Comment: This variant is classified as likely benign based on ACMG/AMP sequence variant interpretation guidelines (Richards et al. 2015 PMID: 25741868, with internal and published modifications).